The following is an entry in ClinVar:

NM_015512.5(DNAH1):c.5194_5195insCA (p.Lys1732fs)

Gene: DNAH1 (dynein axonemal heavy chain 1; plus strand). Cytogenetic location: 3p21.1.
Variant type: Insertion.
Coding change: c.5194_5195insCA on transcript NM_015512.5 (MANE Select); coding-DNA positions 5194 to 5195, CA inserted.
Protein change: p.Lys1732fs; shifts the reading frame from lysine 1732.
Molecular consequence: frameshift variant.
Genome position: GRCh38 VCF-style: chr3-52363093-T-TAC. GRCh37 (hg19) VCF-style: chr3-52397109-T-TAC.
Other names: short protein forms K1732fs.
Identifiers: ClinVar variation 4784177 (VCV004784177.1).

ClinVar aggregate classification (germline): Pathogenic (1 of 4 stars; one submission).

Conditions:
Spermatogenic failure 18. Identifiers: MedGen C4539783, MONDO:0054615, OMIM 617576.
Ciliary dyskinesia, primary, 37 (CILD37). Also called: CILIARY DYSKINESIA, PRIMARY, 37, WITH OR WITHOUT SITUS INVERSUS. Identifiers: MedGen C4539798, MONDO:0033204, OMIM 617577.

Submission:

Labcorp Genetics (formerly Invitae), Labcorp
Classification: Pathogenic for Ciliary dyskinesia, primary, 37; Spermatogenic failure 18. Last evaluated: 2025-02-20. Review status: criteria provided, single submitter. Criteria: Invitae Variant Classification Sherloc (09022015). Collection method: clinical testing. Allele origin: germline.
Comment: This sequence change creates a premature translational stop signal (p.Lys1732Thrfs*25) in the DNAH1 gene. It is expected to result in an absent or disrupted protein product. Loss-of-function variants in DNAH1 are known to be pathogenic (PMID: 27573432, 27798045). This variant is not present in population databases (gnomAD no frequency). This variant has not been reported in the literature in individuals affected with DNAH1-related conditions. For these reasons, this variant has been classified as Pathogenic.

Literature cited by the submitters: PubMed 27573432; PubMed 27798045.